The following is an entry in ClinVar:

ClinVar aggregate classification (germline): Uncertain significance (1 of 4 stars; one submission).

Submission:

Labcorp Genetics (formerly Invitae), Labcorp
Classification: Uncertain significance. Last evaluated: 2023-11-18. Review status: criteria provided, single submitter. Criteria: Invitae Variant Classification Sherloc (09022015). Collection method: clinical testing. Allele origin: germline.
Comment: A gross deletion of the genomic region encompassing the full coding sequence of the DVL1 gene has been identified. The current clinical and genetic evidence is not sufficient to establish whether loss-of-function variants in DVL1 cause disease. The boundaries of this event are unknown as they extend beyond the assayed region for this gene and therefore may encompass additional genes. This variant has not been reported in the literature in individuals affected with DVL1-related conditions. In summary, the available evidence is currently insufficient to determine the role of this variant in disease. Therefore, it has been classified as a Variant of Uncertain Significance.

NC_000001.10:g.(?_1235211)_(1326995_?)del

Genes: ACAP3 (ArfGAP with coiled-coil, ankyrin repeat and PH domains 3; minus strand), AURKAIP1 (aurora kinase A interacting protein 1; minus strand), CCNL2 (cyclin L2; minus strand), CPTP (ceramide-1-phosphate transfer protein; plus strand), DVL1 (dishevelled segment polarity protein 1; minus strand) and 4 more. Cytogenetic location: 1p36.33.
Variant type: Deletion.
Identifiers: ClinVar variation 1512587 (VCV001512587.2).